The following is an entry in ClinVar:

ClinVar aggregate classification (germline): Likely benign (1 of 4 stars; one submission).

gnomAD v4.1: 10 of 1,613,960 alleles (0.00062%); highest among the groups gnomAD compares: Non-Finnish European, 0.00085%; no homozygotes.

Submission:

CeGaT Center for Human Genetics Tuebingen
Classification: Likely benign. Last evaluated: 2026-05-01. Review status: criteria provided, single submitter. Criteria: CeGaT Center For Human Genetics Tuebingen Variant Classification Criteria Version 2. Collection method: clinical testing. Allele origin: germline. Affected: yes. Observed: 1 variant allele.
Comment: KANK1: BP4, BP7

NM_015158.5(KANK1):c.3996+42C>T

Gene: KANK1 (KN motif and ankyrin repeat domains 1; plus strand). Cytogenetic location: 9p24.3.
Variant type: single nucleotide variant.
Coding change: c.3996+42C>T on transcript NM_015158.5 (MANE Select); 42 bases into the intron after coding-DNA position 3996, C replaced by T.
Molecular consequence: intron variant.
Genome position (GRCh38, 1-based): chr9:744,631, C>T. VCF-style: chr9-744631-C-T. GRCh37 (hg19) VCF-style: chr9-744631-C-T.
Other names: c.3996+42C>T (NM_001256876.3, NM_001438412.1, NM_001354334.2 and 1 more transcripts); c.3522+42C>T (NM_001354333.2, NM_001354335.2, NM_001354337.2 and 2 more transcripts); c.3756+42C>T (NM_001354331.2); c.3942+42C>T (NM_001354332.2); c.3228+42C>T (NM_001354336.2, NM_001438411.1); c.3282+42C>T (NM_001354339.2, NM_001354343.2, NM_001354342.2); c.3468+42C>T (NM_001354338.2, NM_001354340.2, NM_001354344.2).
Identifiers: ClinVar variation 4874212 (VCV004874212.2).